The following is an entry in ClinVar:

NM_138295.5(PKD1L1):c.978C>T (p.Phe326=)

Gene: PKD1L1 (polycystin 1 like 1, transient receptor potential channel interacting; minus strand). Cytogenetic location: 7p12.3.
Variant type: single nucleotide variant.
Coding change: c.978C>T on transcript NM_138295.5 (MANE Select); coding-DNA position 978, C replaced by T.
Protein change: p.Phe326=; no amino-acid change (phenylalanine 326 retained).
Molecular consequence: synonymous variant.
Genome position (GRCh38, 1-based): chr7:47,929,286, G>A on the plus strand (C>T on the coding strand, the complement: PKD1L1 is on the minus strand). VCF-style: chr7-47929286-G-A. GRCh37 (hg19) VCF-style: chr7-47968883-G-A.
Identifiers: ClinVar variation 3054642 (VCV003054642.2), dbSNP rs142684649, ClinGen allele CA4254186.

ClinVar aggregate classification (germline): Likely benign (0 of 4 stars; one submission).

Conditions:
PKD1L1-related disorder. Also called: PKD1L1-related condition.

Allele frequency attached by ClinVar (database versions not stated): gnomAD exomes 0.00001; ExAC 0.00002; gnomAD 0.00003; TOPMed 0.00005.
gnomAD v4.1: 22 of 1,614,064 alleles (0.0014%); highest among the groups gnomAD compares: Middle Eastern, 0.016%; no homozygotes.

Submission:

PreventionGenetics, part of Exact Sciences
Classification: Likely benign for PKD1L1-related condition. Last evaluated: 2022-06-07. Review status: no assertion criteria provided. Collection method: clinical testing. Allele origin: germline.
Comment: This variant is classified as likely benign based on ACMG/AMP sequence variant interpretation guidelines (Richards et al. 2015 PMID: 25741868, with internal and published modifications).